The following is an entry in ClinVar:

ClinVar aggregate classification (germline): Likely benign. Review status: criteria provided, single submitter (1 of 4 stars). 2 submissions from 2 submitters: Likely benign (1). 1 of the submissions does not count toward it. Last evaluated 2026-01-26.

Conditions:
NCF2-related disorder. Also called: NCF2-related condition.
Granulomatous disease, chronic, autosomal recessive, cytochrome b-positive, type 2. Also called: GRANULOMATOUS DISEASE, CHRONIC, DUE TO NCF2 DEFICIENCY; Chronic granulomatous disease due to deficiency of NCF-2; Chronic Granulomatous Disease, Autosomal Recessive, Cytochrome b-Positive, Type II; GRANULOMATOUS DISEASE, CHRONIC, AUTOSOMAL RECESSIVE, 2; CGD, AUTOSOMAL RECESSIVE CYTOCHROME b-POSITIVE, TYPE II. Identifiers: Orphanet 379, MedGen C1856245, MONDO:0009310, OMIM 233710.

Allele frequency attached by ClinVar (database versions not stated): gnomAD exomes 0.00003 and 0.00006; ExAC 0.00006; ESP Exome Variant Server 0.00015; gnomAD 0.00019 and 0.00021; 1000 Genomes Project 0.00020; TOPMed 0.00023; 1000 Genomes Project 30x 0.00031.
gnomAD v4.1: 68 of 1,613,920 alleles (0.0042%); highest among the groups gnomAD compares: African/African-American, 0.081%; 1 homozygote.

Submissions (2):

Labcorp Genetics (formerly Invitae), Labcorp
Classification: Likely benign for Granulomatous disease, chronic, autosomal recessive, cytochrome b-positive, type 2. Last evaluated: 2026-01-26. Review status: criteria provided, single submitter. Criteria: Invitae Variant Classification Sherloc (09022015). Collection method: clinical testing. Allele origin: germline.

PreventionGenetics, part of Exact Sciences
Classification: Likely benign for NCF2-related condition. Last evaluated: 2020-02-11. Review status: no assertion criteria provided. Collection method: clinical testing. Allele origin: germline. Not counted in ClinVar's aggregate classification.
Comment: This variant is classified as likely benign based on ACMG/AMP sequence variant interpretation guidelines (Richards et al. 2015 PMID: 25741868, with internal and published modifications).

NM_000433.4(NCF2):c.511C>T (p.Leu171=)

Gene: NCF2 (neutrophil cytosolic factor 2; minus strand). Cytogenetic location: 1q25.3.
Variant type: single nucleotide variant.
Coding change: c.511C>T on transcript NM_000433.4 (MANE Select); coding-DNA position 511, C replaced by T.
Protein change: p.Leu171=; no amino-acid change (leucine 171 retained).
Molecular consequence: synonymous variant. On other transcripts: intron variant (1).
Genome position (GRCh38, 1-based): chr1:183,573,283, G>A on the plus strand (C>T on the coding strand, the complement: NCF2 is on the minus strand). VCF-style: chr1-183573283-G-A. GRCh37 (hg19) VCF-style: chr1-183542418-G-A.
Other names: c.511C>T, p.Leu171= (NM_001127651.3); c.376C>T, p.Leu126= (NM_001190794.2); c.367-2444C>T (NM_001190789.2); c.511C>T (NM_000433.3).
Identifiers: ClinVar variation 1144355 (VCV001144355.11), dbSNP rs145354685, ClinGen allele CA1284935.